The following is an entry in ClinVar:

NM_000287.4(PEX6):c.1884+1G>A

Gene: PEX6 (peroxisomal biogenesis factor 6; minus strand). Cytogenetic location: 6p21.1.
Variant type: single nucleotide variant.
Coding change: c.1884+1G>A on transcript NM_000287.4 (MANE Select); the canonical splice donor site of the intron after coding-DNA position 1884, G replaced by A.
Molecular consequence: splice donor variant.
Genome position (GRCh38, 1-based): chr6:42,967,367, C>T on the plus strand (G>A on the coding strand, the complement: PEX6 is on the minus strand). VCF-style: chr6-42967367-C-T. GRCh37 (hg19) VCF-style: chr6-42935105-C-T.
Other names: c.1620+1G>A (NM_001316313.2).
Identifiers: ClinVar variation 2866702 (VCV002866702.3), dbSNP rs2481216669, ClinGen allele CA364153340.

ClinVar aggregate classification (germline): Likely pathogenic (1 of 4 stars; one submission).

Conditions:
Peroxisome biogenesis disorder. Identifiers: Orphanet 79189, MedGen C1832200, MONDO:0019234. Disease mechanism: loss of function.

Submission:

Labcorp Genetics (formerly Invitae), Labcorp
Classification: Likely pathogenic for Peroxisome biogenesis disorder. Last evaluated: 2023-10-28. Review status: criteria provided, single submitter. Criteria: Invitae Variant Classification Sherloc (09022015). Collection method: clinical testing. Allele origin: germline.
Comment: This sequence change affects a donor splice site in intron 8 of the PEX6 gene. It is expected to disrupt RNA splicing. Variants that disrupt the donor or acceptor splice site typically lead to a loss of protein function (PMID: 16199547), and loss-of-function variants in PEX6 are known to be pathogenic (PMID: 10408779, 21031596, 31831025). This variant is not present in population databases (gnomAD no frequency). This variant has not been reported in the literature in individuals affected with PEX6-related conditions. Algorithms developed to predict the effect of sequence changes on RNA splicing suggest that this variant may disrupt the consensus splice site. In summary, the currently available evidence indicates that the variant is pathogenic, but additional data are needed to prove that conclusively. Therefore, this variant has been classified as Likely Pathogenic.

Literature cited by the submitters: PubMed 16199547; PubMed 10408779; PubMed 21031596; PubMed 31831025.